The following is an entry in ClinVar:

ClinVar aggregate classification (germline): Uncertain significance (1 of 4 stars; one submission).

Conditions:
Cystic fibrosis (CF). Also called: MUCOVISCIDOSIS. Identifiers: Orphanet 586, MedGen C0010674, MONDO:0009061, OMIM 219700. Disease mechanism: loss of function.

Allele frequency attached by ClinVar (database versions not stated): TOPMed 0.00001; ExAC 0.00001; gnomAD exomes 0.00001; gnomAD 0.00002.
gnomAD v4.1: 26 of 1,613,012 alleles (0.0016%); highest among the groups gnomAD compares: Non-Finnish European, 0.0019%; no homozygotes.

Submission:

Ambry Genetics
Classification: Uncertain significance for Cystic fibrosis. Last evaluated: 2025-01-22. Review status: criteria provided, single submitter. Criteria: Ambry Variant Classification Scheme 2023. Collection method: clinical testing. Allele origin: germline.
Comment: The p.R1403K variant (also known as c.4208G>A), located in coding exon 26 of the CFTR gene, results from a G to A substitution at nucleotide position 4208. The arginine at codon 1403 is replaced by lysine, an amino acid with highly similar properties. This amino acid position is well conserved in available vertebrate species. In addition, the in silico prediction for this alteration is inconclusive. Based on the available evidence, the clinical significance of this variant remains unclear.

NM_000492.4(CFTR):c.4208G>A (p.Arg1403Lys)

Gene: CFTR (CF transmembrane conductance regulator; plus strand). Cytogenetic location: 7q31.2.
Variant type: single nucleotide variant.
Coding change: c.4208G>A on transcript NM_000492.4 (MANE Select); coding-DNA position 4208, G replaced by A.
Protein change: p.Arg1403Lys; replaces arginine 1403 with lysine.
Molecular consequence: missense variant.
Genome position (GRCh38, 1-based): chr7:117,665,530, G>A. VCF-style: chr7-117665530-G-A. GRCh37 (hg19) VCF-style: chr7-117305584-G-A.
Other names: short protein forms R1403K.
Identifiers: ClinVar variation 1738699 (VCV001738699.4), dbSNP rs780396890, ClinGen allele CA4451662.